The following is an entry in ClinVar:

ClinVar aggregate classification (germline): Uncertain significance (1 of 4 stars; one submission).

Conditions:
Dilated cardiomyopathy 1G (CMD1G). Identifiers: Orphanet 154, MedGen C1858763, MONDO:0011400, OMIM 604145.
Autosomal recessive limb-girdle muscular dystrophy type 2J (LGMDR10). Also called: Limb-girdle muscular dystrophy, type 2J; MUSCULAR DYSTROPHY, LIMB-GIRDLE, AUTOSOMAL RECESSIVE 10. Identifiers: Orphanet 140922, MedGen C1837342, MONDO:0012127, OMIM 608807.

Allele frequency attached by ClinVar (database versions not stated): gnomAD exomes below 0.00001; TOPMed below 0.00001.
gnomAD v4.1: 5 of 1,613,998 alleles (0.00031%); highest among the groups gnomAD compares: Non-Finnish European, 0.00042%; no homozygotes.

Submission:

Labcorp Genetics (formerly Invitae), Labcorp
Classification: Uncertain significance for Dilated cardiomyopathy 1G; Autosomal recessive limb-girdle muscular dystrophy type 2J. Last evaluated: 2024-03-11. Review status: criteria provided, single submitter. Criteria: Invitae Variant Classification Sherloc (09022015). Collection method: clinical testing. Allele origin: germline.
Comment: This sequence change replaces methionine, which is neutral and non-polar, with valine, which is neutral and non-polar, at codon 35959 of the TTN protein (p.Met35959Val). This variant is not present in population databases (gnomAD no frequency). This variant has not been reported in the literature in individuals affected with TTN-related conditions. ClinVar contains an entry for this variant (Variation ID: 1438050). Experimental studies and prediction algorithms are not available or were not evaluated, and the functional significance of this variant is currently unknown. This variant is located in the M band of TTN (PMID: 25589632). Non-truncating variants in this region may be relevant for neuromuscular disorders, but have not been definitively shown to cause cardiomyopathy (PMID: 23975875). In summary, the available evidence is currently insufficient to determine the role of this variant in disease. Therefore, it has been classified as a Variant of Uncertain Significance.

Literature cited by the submitters: PubMed 25589632; PubMed 23975875.

NM_001267550.2(TTN):c.107875A>G (p.Met35959Val)

Genes: TTN-AS1 (TTN antisense RNA 1; plus strand), TTN (titin; minus strand). Cytogenetic location: 2q31.2.
Variant type: single nucleotide variant.
Coding change: c.107875A>G on transcript NM_001267550.2 (MANE Select); coding-DNA position 107875, A replaced by G.
Protein change: p.Met35959Val; replaces methionine 35959 with valine.
Molecular consequence: missense variant.
Genome position (GRCh38, 1-based): chr2:178,527,113, T>C on the plus strand (A>G on the coding strand, the complement: TTN is on the minus strand). VCF-style: chr2-178527113-T-C. GRCh37 (hg19) VCF-style: chr2-179391840-T-C.
Other names: c.102952A>G, p.Met34318Val (NM_001256850.1); c.80680A>G, p.Met26894Val (NM_003319.4); c.100171A>G, p.Met33391Val (NM_133378.4); c.81055A>G, p.Met27019Val (NM_133432.3); c.81256A>G, p.Met27086Val (NM_133437.4); short protein forms M26894V, M34318V, M27019V, M33391V, M27086V, M35959V.
Identifiers: ClinVar variation 1438050 (VCV001438050.6), dbSNP rs1220326083, ClinGen allele CA349398570.
Genomic context (GRCh38, chr2:178,527,113, plus strand): 5'-ATCCAAATTCATTCCCTAAACTCAGGGTATAAAGTCCACCATCTTGTTTCTGTACGTCCA[T>C]GATGATCAGGGTTGTCAGGTCATCTGTGTTTTCAATGTGGAACCTCCCCTGTTCTTGACT-3'
Protein context (NP_001254479.2, residues 35949-35969): NTDDLTTLII[Met35959Val]DVQKQDGGLY